The following is an entry in ClinVar:

NM_002907.4(RECQL):c.1826A>G (p.Glu609Gly)

Genes: PYROXD1 (pyridine nucleotide-disulphide oxidoreductase domain 1; plus strand), RECQL (RecQ like helicase; minus strand). Cytogenetic location: 12p12.1.
Variant type: single nucleotide variant.
Coding change: c.1826A>G on transcript NM_002907.4 (MANE Select); coding-DNA position 1826, A replaced by G.
Protein change: p.Glu609Gly; replaces glutamic acid 609 with glycine.
Molecular consequence: missense variant. On other transcripts: 3 prime UTR variant (3).
Genome position (GRCh38, 1-based): chr12:21,470,318, T>C on the plus strand (A>G on the coding strand, the complement: RECQL is on the minus strand). VCF-style: chr12-21470318-T-C. GRCh37 (hg19) VCF-style: chr12-21623252-T-C.
Other names: c.1826A>G, p.Glu609Gly (NM_032941.3); c.*1564T>C (NM_001350912.2, NM_001350913.2, NM_024854.5); short protein forms E609G.
Identifiers: ClinVar variation 1780840 (VCV001780840.2), dbSNP rs2540306646, ClinGen allele CA384113977.
Genomic context (GRCh38, chr12:21,470,318, plus strand): 5'-TTTGCAGCCTTCTTCTGGAAGTTGCCTGAATTTTTTTCCTCCATCTTTTTATCACCTTGT[T>C]CAGAATGACAAGTTTGAGACGATTCAGCCTACAAAAAAAAAAAAAAAACAAAGCAAGCAC-3'
Protein context (NP_002898.2, residues 599-619): RAESSQTCHS[Glu609Gly]QGDKKMEEKN

ClinVar aggregate classification (germline): Uncertain significance (1 of 4 stars; one submission).

Submission:

Ambry Genetics
Classification: Uncertain significance. Last evaluated: 2022-02-28. Review status: criteria provided, single submitter. Criteria: Ambry Variant Classification Scheme 2023. Collection method: clinical testing. Allele origin: germline.
Comment: The p.E609G variant (also known as c.1826A>G), located in coding exon 14 of the RECQL gene, results from an A to G substitution at nucleotide position 1826. The glutamic acid at codon 609 is replaced by glycine, an amino acid with similar properties. This amino acid position is conserved. In addition, this alteration is predicted to be tolerated by in silico analysis. Since supporting evidence is limited at this time, the clinical significance of this alteration remains unclear.